The following is an entry in ClinVar:

NM_001903.5(CTNNA1):c.330G>T (p.Glu110Asp)

Gene: CTNNA1 (catenin alpha 1; plus strand). Cytogenetic location: 5q31.2.
Variant type: single nucleotide variant.
Coding change: c.330G>T on transcript NM_001903.5 (MANE Select); coding-DNA position 330, G replaced by T.
Protein change: p.Glu110Asp; replaces glutamic acid 110 with aspartic acid.
Molecular consequence: missense variant. On other transcripts: intron variant (1).
Genome position (GRCh38, 1-based): chr5:138,810,066, G>T. VCF-style: chr5-138810066-G-T. GRCh37 (hg19) VCF-style: chr5-138145755-G-T.
Other names: c.330G>T, p.Glu110Asp (NM_001290307.3, NM_001323982.2, NM_001323983.1 and 3 more transcripts); c.21G>T, p.Glu7Asp (NM_001290309.3); c.-5-35G>T (NM_001290310.3); short protein forms E7D, E110D.
Identifiers: ClinVar variation 1730072 (VCV001730072.3), dbSNP rs1758516656, ClinGen allele CA361122889.

ClinVar aggregate classification (germline): Uncertain significance (1 of 4 stars; one submission).

Conditions:
Hereditary cancer-predisposing syndrome. Also called: Neoplastic Syndromes, Hereditary; Tumor predisposition; Hereditary Cancer Syndrome; Hereditary neoplastic syndrome. Identifiers: Orphanet 140162, MedGen C0027672, MeSH D009386, MONDO:0015356.

Submission:

Ambry Genetics
Classification: Uncertain significance for Hereditary cancer-predisposing syndrome. Last evaluated: 2025-04-04. Review status: criteria provided, single submitter. Criteria: Ambry Variant Classification Scheme 2023. Collection method: clinical testing. Allele origin: germline.
Comment: The p.E110D variant (also known as c.330G>T), located in coding exon 3 of the CTNNA1 gene, results from a G to T substitution at nucleotide position 330. The glutamic acid at codon 110 is replaced by aspartic acid, an amino acid with highly similar properties. This amino acid position is highly conserved in available vertebrate species. In addition, this alteration is predicted to be tolerated by in silico analysis. Since supporting evidence is limited at this time, the clinical significance of this alteration remains unclear.